The following is an entry in ClinVar:

NM_004260.4(RECQL4):c.2665G>A (p.Ala889Thr)

Gene: RECQL4 (RecQ like helicase 4; minus strand). Cytogenetic location: 8q24.3.
Variant type: single nucleotide variant.
Coding change: c.2665G>A on transcript NM_004260.4 (MANE Select); coding-DNA position 2665, G replaced by A.
Protein change: p.Ala889Thr; replaces alanine 889 with threonine.
Molecular consequence: missense variant.
Genome position (GRCh38, 1-based): chr8:144,512,937, C>T on the plus strand (G>A on the coding strand, the complement: RECQL4 is on the minus strand). VCF-style: chr8-144512937-C-T. GRCh37 (hg19) VCF-style: chr8-145738320-C-T.
Other names: short protein forms A889T.
Identifiers: ClinVar variation 239744 (VCV000239744.7), dbSNP rs754977025, ClinGen allele CA4948155.

ClinVar aggregate classification (germline): Uncertain significance (1 of 4 stars; one submission).

Conditions:
Baller-Gerold syndrome (BGS). Also called: CRANIOSYNOSTOSIS WITH RADIAL DEFECTS. Identifiers: Orphanet 1225, MedGen C0265308, MONDO:0009039, OMIM 218600.

Allele frequency attached by ClinVar (database versions not stated): gnomAD 0.00002; TOPMed 0.00003; gnomAD exomes 0.00004 and 0.00008; ExAC 0.00005.

Submission:

Labcorp Genetics (formerly Invitae), Labcorp
Classification: Uncertain significance for Baller-Gerold syndrome. Last evaluated: 2025-11-10. Review status: criteria provided, single submitter. Criteria: Invitae Variant Classification Sherloc (09022015). Collection method: clinical testing. Allele origin: germline.
Comment: This sequence change replaces alanine, which is neutral and non-polar, with threonine, which is neutral and polar, at codon 889 of the RECQL4 protein (p.Ala889Thr). This variant is present in population databases (rs754977025, gnomAD 0.006%). This variant has not been reported in the literature in individuals affected with RECQL4-related conditions. ClinVar contains an entry for this variant (Variation ID: 239744). Invitae Evidence Modeling of protein sequence and biophysical properties (such as structural, functional, and spatial information, amino acid conservation, physicochemical variation, residue mobility, and thermodynamic stability) indicates that this missense variant is not expected to disrupt RECQL4 protein function with a negative predictive value of 80%. In summary, the available evidence is currently insufficient to determine the role of this variant in disease. Therefore, it has been classified as a Variant of Uncertain Significance.